The following is an entry in ClinVar:

NM_144997.7(FLCN):c.336C>G (p.Pro112=)

Gene: FLCN (folliculin; minus strand). Cytogenetic location: 17p11.2.
Variant type: single nucleotide variant.
Coding change: c.336C>G on transcript NM_144997.7 (MANE Select); coding-DNA position 336, C replaced by G.
Protein change: p.Pro112=; no amino-acid change (proline 112 retained).
Molecular consequence: synonymous variant.
Genome position (GRCh38, 1-based): chr17:17,226,236, G>C on the plus strand (C>G on the coding strand, the complement: FLCN is on the minus strand). VCF-style: chr17-17226236-G-C. GRCh37 (hg19) VCF-style: chr17-17129550-G-C.
Other names: c.336C>G, p.Pro112= (NM_001353229.2, NM_001353230.2, NM_001353231.2 and 1 more transcripts).
Identifiers: ClinVar variation 3229245 (VCV003229245.2), dbSNP rs1457428918, ClinGen allele CA498167683.

ClinVar aggregate classification (germline): Benign/Likely benign. Review status: criteria provided, multiple submitters, no conflicts (2 of 4 stars). 2 submissions from 2 submitters: Benign (1); Likely benign (1). Last evaluated 2024-10-22.

Conditions:
Birt-Hogg-Dube syndrome 1 (BHD1). Also called: FIBROFOLLICULOMAS WITH TRICHODISCOMAS AND ACROCHORDONS. Identifiers: Orphanet 122, MedGen CN375946, MONDO:0800445, OMIM 135150.
Hereditary cancer-predisposing syndrome. Also called: Neoplastic Syndromes, Hereditary; Tumor predisposition; Hereditary neoplastic syndrome; Hereditary Cancer Syndrome. Identifiers: Orphanet 140162, MedGen C0027672, MeSH D009386, MONDO:0015356.

Submissions (2):

Myriad Genetics, Inc.
Classification: Benign for Birt-Hogg-Dube syndrome 1. Last evaluated: 2024-10-22. Review status: criteria provided, single submitter. Criteria: Myriad Autosomal Dominant, Autosomal Recessive and X-Linked Classification Criteria (2023). Collection method: clinical testing. Allele origin: unknown.
Comment: This variant is considered benign. This variant is a silent/synonymous amino acid change and it is not expected to impact splicing.

Ambry Genetics
Classification: Likely benign for Hereditary cancer-predisposing syndrome. Last evaluated: 2023-02-23. Review status: criteria provided, single submitter. Criteria: Ambry Variant Classification Scheme 2023. Collection method: clinical testing. Allele origin: germline.